The following is an entry in ClinVar:

NM_018294.6(CWF19L1):c.1426A>G (p.Lys476Glu)

Gene: CWF19L1 (CWF19 like cell cycle control factor 1; minus strand). Cytogenetic location: 10q24.31.
Variant type: single nucleotide variant.
Coding change: c.1426A>G on transcript NM_018294.6 (MANE Select); coding-DNA position 1426, A replaced by G.
Protein change: p.Lys476Glu; replaces lysine 476 with glutamic acid.
Molecular consequence: missense variant.
Genome position (GRCh38, 1-based): chr10:100,235,713, T>C on the plus strand (A>G on the coding strand, the complement: CWF19L1 is on the minus strand). VCF-style: chr10-100235713-T-C. GRCh37 (hg19) VCF-style: chr10-101995470-T-C.
Other names: c.1306A>G, p.Lys436Glu (NM_001303404.2); c.1015A>G, p.Lys339Glu (NM_001303405.2, NM_001303406.2); c.691A>G, p.Lys231Glu (NM_001303407.2); short protein forms K231E, K339E, K436E, K476E.
Identifiers: ClinVar variation 3378094 (VCV003378094.1).

ClinVar aggregate classification (germline): Uncertain significance (1 of 4 stars; one submission).

Submission:

GeneDx
Classification: Uncertain significance. Last evaluated: 2024-05-17. Review status: criteria provided, single submitter. Criteria: GeneDx Variant Classification Process June 2021. Collection method: clinical testing. Allele origin: germline. Affected: yes.
Comment: Not observed at significant frequency in large population cohorts (gnomAD); In silico analysis supports that this missense variant has a deleterious effect on protein structure/function; Has not been previously published as pathogenic or benign to our knowledge